The following is an entry in ClinVar:

ClinVar aggregate classification (germline): Uncertain significance (1 of 4 stars; one submission).

Submission:

Labcorp Genetics (formerly Invitae), Labcorp
Classification: Uncertain significance. Last evaluated: 2021-11-23. Review status: criteria provided, single submitter. Criteria: Invitae Variant Classification Sherloc (09022015). Collection method: clinical testing. Allele origin: germline.
Comment: In summary, the available evidence is currently insufficient to determine the role of this variant in disease. Therefore, it has been classified as a Variant of Uncertain Significance. Algorithms developed to predict the effect of missense changes on protein structure and function are either unavailable or do not agree on the potential impact of this missense change (SIFT: "Tolerated"; PolyPhen-2: "Possibly Damaging"; Align-GVGD: "Class C0"). This variant has not been reported in the literature in individuals affected with SZT2-related conditions. This variant is not present in population databases (gnomAD no frequency). This sequence change replaces glutamine, which is neutral and polar, with arginine, which is basic and polar, at codon 2566 of the SZT2 protein (p.Gln2566Arg).

NM_001365999.1(SZT2):c.7868A>G (p.Gln2623Arg)

Gene: SZT2 (SZT2 subunit of KICSTOR complex; plus strand). Cytogenetic location: 1p34.2.
Variant type: single nucleotide variant.
Coding change: c.7868A>G on transcript NM_001365999.1 (MANE Select); coding-DNA position 7868, A replaced by G.
Protein change: p.Gln2623Arg; replaces glutamine 2623 with arginine.
Molecular consequence: missense variant.
Genome position (GRCh38, 1-based): chr1:43,442,125, A>G. VCF-style: chr1-43442125-A-G. GRCh37 (hg19) VCF-style: chr1-43907796-A-G.
Other names: c.7697A>G, p.Gln2566Arg (NM_015284.4); short protein forms Q2623R, Q2566R.
Identifiers: ClinVar variation 1481516 (VCV001481516.6), dbSNP rs2153935877, ClinGen allele CA340036425.